The following is an entry in ClinVar:

ClinVar aggregate classification (germline): Conflicting classifications of pathogenicity. Review status: criteria provided, conflicting classifications (1 of 4 stars). 4 submissions from 4 submitters: Likely pathogenic (1); Uncertain significance (3). Last evaluated 2025-02-20.

Conditions:
Cardiovascular phenotype. Identifiers: MedGen CN230736.
Cardiomyopathy (CMYO). Also called: Cardiomyopathies. Identifiers: Orphanet 167848, MedGen C0878544, MONDO:0004994, HP:0001638. Inheritance: Various modes of inheritance.
Hypertrophic cardiomyopathy. Also called: HYPERTROPHIC MYOCARDIOPATHY. Identifiers: Orphanet 217569, MedGen C0007194, MeSH D002312, MONDO:0005045, HP:0001639.

Allele frequency attached by ClinVar (database versions not stated): ExAC 0.00001; gnomAD 0.00001; gnomAD exomes below 0.00001; TOPMed below 0.00001.
gnomAD v4.1: 6 of 1,613,790 alleles (0.00037%); highest among the groups gnomAD compares: Non-Finnish European, 0.00042%; no homozygotes.

Submissions (4):

Labcorp Genetics (formerly Invitae), Labcorp
Classification: Uncertain significance for Hypertrophic cardiomyopathy. Last evaluated: 2025-02-20. Review status: criteria provided, single submitter. Criteria: Invitae Variant Classification Sherloc (09022015). Collection method: clinical testing. Allele origin: germline.
Comment: This sequence change replaces lysine, which is basic and polar, with asparagine, which is neutral and polar, at codon 360 of the MYBPC3 protein (p.Lys360Asn). This variant is present in population databases (rs730880632, gnomAD 0.0009%). This missense change has been observed in individual(s) with hypertrophic cardiomyopathy (PMID: 37652022). ClinVar contains an entry for this variant (Variation ID: 181057). An algorithm developed to predict the effect of missense changes on protein structure and function (PolyPhen-2) suggests that this variant is likely to be disruptive. In summary, the available evidence is currently insufficient to determine the role of this variant in disease. Therefore, it has been classified as a Variant of Uncertain Significance.

Color Diagnostics, LLC DBA Color Health
Classification: Uncertain significance for Cardiomyopathy. Last evaluated: 2024-09-09. Review status: criteria provided, single submitter. Criteria: ACMG Guidelines, 2015. Collection method: clinical testing. Allele origin: germline.
Comment: This missense variant replaces lysine with asparagine at codon 360 of the MYBPC3 protein. Computational prediction tools indicate that this variant has a neutral impact on protein structure and function. To our knowledge, functional studies have not been reported for this variant. This variant has been reported in an individual affected with hypertrophic cardiomyopathy (PMID: 27532257). This variant has been identified in 1/248934 chromosomes in the general population by the Genome Aggregation Database (gnomAD). The available evidence is insufficient to determine the role of this variant in disease conclusively. Therefore, this variant is classified as a Variant of Uncertain Significance.

Ambry Genetics
Classification: Uncertain significance for Cardiovascular phenotype. Last evaluated: 2024-07-03. Review status: criteria provided, single submitter. Criteria: Ambry Variant Classification Scheme 2023. Collection method: clinical testing. Allele origin: germline.
Comment: The p.K360N variant (also known as c.1080G>C), located in coding exon 12 of the MYBPC3 gene, results from a G to C substitution at nucleotide position 1080. The lysine at codon 360 is replaced by asparagine, an amino acid with similar properties. This alteration has been reported in a hypertrophic cardiomyopathy (HCM) cohort (Walsh R et al. Genet Med, 2017 Feb;19:192-203). This amino acid position is well conserved in available vertebrate species. In addition, this alteration is predicted to be tolerated by in silico analysis. Based on the available evidence, the clinical significance of this variant remains unclear.

GeneDx
Classification: Likely pathogenic. Last evaluated: 2014-08-25. Review status: criteria provided, single submitter. Criteria: GeneDx Variant Classification (06012015). Collection method: clinical testing. Allele origin: germline. Affected: yes.
Comment: p.Lys360Asn (AAG>AAC): c.1080 G>C in exon 12 of the MYBPC3 gene (NM_000256.3). A variant of unknown significance has been identified in the MYBPC3 gene. The K360N variant has not been published as a mutation, nor has it been reported as a benign polymorphism to our knowledge. The K360N variant was not observed in approximately 6,400 individuals of European and African American ancestry in the NHLBI Exome Sequencing Project, indicating it is not a common benign variant in these populations. The K360N variant is a semi-conservative amino acid substitution, which may impact secondary protein structure as these residues differ in some properties. Additionally, this substitution occurs at a position that is class conserved among mammals and in silico analysis predicts this variant is probably damaging to the protein structure/function. Furthermore, missense mutations in nearby residues (L352P, P371R) have been reported in association with HCM, supporting the functional importance of this region of the protein.Therefore, based on the currently available information, it is unclear whether this variant is a pathogenic mutation or a rare benign variant. Mutations in the MYBPC3 gene have been reported in 20%-30% of patients with autosomal dominant familial hypertrophic cardiomyopathy, and have been reported less frequently in patients with autosomal dominant familial dilated cardiomyopathy (CirinoAet al., 2011; Hershberger R et al., 2009). The variant is found in HCM panel(s).

Literature cited by the submitters: PubMed 37652022 (cited by Labcorp Genetics (formerly Invitae), Labcorp); PubMed 27532257 (cited by Color Diagnostics, LLC DBA Color Health and Ambry Genetics).

NM_000256.3(MYBPC3):c.1080G>C (p.Lys360Asn)

Gene: MYBPC3 (myosin binding protein C3; minus strand). Cytogenetic location: 11p11.2.
Variant type: single nucleotide variant.
Coding change: c.1080G>C on transcript NM_000256.3 (MANE Select); coding-DNA position 1080, G replaced by C.
Protein change: p.Lys360Asn; replaces lysine 360 with asparagine.
Molecular consequence: missense variant.
Genome position (GRCh38, 1-based): chr11:47,346,217, C>G on the plus strand (G>C on the coding strand, the complement: MYBPC3 is on the minus strand). VCF-style: chr11-47346217-C-G. GRCh37 (hg19) VCF-style: chr11-47367768-C-G.
Other names: p.K360N:AAG>AAC; c.1080G>C, p.Lys360Asn (LRG_386t1); short protein forms K360N.
Identifiers: ClinVar variation 181057 (VCV000181057.5), dbSNP rs730880632, ClinGen allele CA009741.